The following is an entry in ClinVar:

NM_000077.5(CDKN2A):c.151-2A>G

Gene: CDKN2A (cyclin dependent kinase inhibitor 2A; minus strand). Cytogenetic location: 9p21.3.
Variant type: single nucleotide variant.
Coding change: c.151-2A>G on transcript NM_000077.5 (MANE Select); the canonical splice acceptor site of the intron before coding-DNA position 151, A replaced by G.
Molecular consequence: splice acceptor variant.
Genome position (GRCh38, 1-based): chr9:21,971,210, T>C on the plus strand (A>G on the coding strand, the complement: CDKN2A is on the minus strand). VCF-style: chr9-21971210-T-C. GRCh37 (hg19) VCF-style: chr9-21971209-T-C.
Other names: NM_000077.5:c.151-2A>G; c.-3-2A>G (NM_001363763.2); c.194-2A>G (NM_058195.4); c.151-2A>G (NM_001195132.2); c.*74-2A>G (NM_058197.5).
Identifiers: ClinVar variation 487034 (VCV000487034.21), dbSNP rs1554654224, ClinGen allele CA373086464.
Genomic context (GRCh38, chr9:21,971,210, plus strand): 5'-GGCTCCGCGCCGTGGAGCAGCAGCAGCTCCGCCACTCGGGCGCTGCCCATCATCATGACC[T>C]GCCAGAGAGAACAGAATGGTCAGAGCCAGGGTGGGGGCCGGCATGACGGAAAGGAAGCTT-3'

ClinVar aggregate classification (germline): Pathogenic/Likely pathogenic. Review status: criteria provided, multiple submitters, no conflicts (2 of 4 stars). 3 submissions from 3 submitters: Pathogenic (1); Likely pathogenic (2). Last evaluated 2024-09-03.

Conditions:
Familial pancreatic carcinoma. Identifiers: Orphanet 1333, MedGen C2931038, MONDO:0015278, OMIM 260350.
Familial melanoma. Also called: Hereditary melanoma; Hereditary cutaneous melanoma. Identifiers: Orphanet 618, MedGen C1512419, MONDO:0018961.
Hereditary cancer-predisposing syndrome. Also called: Neoplastic Syndromes, Hereditary; Hereditary Cancer Syndrome; Tumor predisposition; Hereditary neoplastic syndrome. Identifiers: Orphanet 140162, MedGen C0027672, MeSH D009386, MONDO:0015356.

Submissions (6):

Ambry Genetics
Classification: Likely pathogenic for Hereditary cancer-predisposing syndrome. Last evaluated: 2024-09-03. Review status: criteria provided, single submitter. Criteria: Ambry Variant Classification Scheme 2023. Collection method: clinical testing. Allele origin: germline.
Comment: The c.151-2A>G intronic variant results from an A to G substitution two nucleotides upstream from coding exon 2 in the CDKN2A gene. This alteration has been reported in individuals with a personal or family history of melanoma and/or pancreatic cancer (Ambry internal data; Maubec E et al. J. Am. Acad. Dermatol., 2012 Dec;67:1257-64; Taylor NJ et al. J. Invest. Dermatol., 2017 12;137:2606-2612; Overbeek, KA et al. J Med Genet 2021 Apr;58(4):264-269). It has also been reported in two relatives affected with soft tissue sarcoma (Jouenne F et al. J. Med. Genet., 2017 09;54:607-612). This nucleotide position is highly conserved in available vertebrate species. In silico splice site analysis predicts that this alteration will weaken the native splice acceptor site and will result in the creation or strengthening of a novel splice acceptor site. Alterations that disrupt the canonical splice site are expected to cause aberrant splicing, resulting in an abnormal protein or a transcript that is subject to nonsense-mediated mRNA decay. As such, this alteration is classified as likely pathogenic.

Labcorp Genetics (formerly Invitae), Labcorp
Classification: Pathogenic for Familial melanoma. Last evaluated: 2024-08-31. Review status: criteria provided, single submitter. Criteria: Invitae Variant Classification Sherloc (09022015). Collection method: clinical testing. Allele origin: germline.
Comment: The CDKN2A gene encodes two different proteins, p16INK4a and p14ARF, which are translated from alternative transcripts with different open reading frames. Both transcripts have been analyzed. We report either the variant with the higher classification or default to the CDKN2A (p16INK4a) variant. This report therefore includes the details for the CDKN2A (p16INK4a) variant. This sequence change affects an acceptor splice site in intron 1 of the CDKN2A (p16INK4a) gene. RNA analysis indicates that disruption of this splice site induces altered splicing and may result in an absent or altered protein product. This variant is not present in population databases (gnomAD no frequency). Disruption of this splice site has been observed in individual(s) with clinical features of melanoma-NST syndrome (PMID: 11433531, 11687599, 22841127, 28592523, 28830827). It has also been observed to segregate with disease in related individuals. ClinVar contains an entry for this variant (Variation ID: 487034). Studies have shown that disruption of this splice site results in skipping of exon 2, and produces a non-functional protein and/or introduces a premature termination codon (PMID: 11433531, 12920094). For these reasons, this variant has been classified as Pathogenic. The evidence indicates that this variant confers risk of developing CDKN2A (p16INK4a) and CDKN2A (p14ARF)-associated conditions.

Institute of Human Genetics, University of Leipzig Medical Center
Classification: Likely pathogenic for Familial pancreatic carcinoma. Last evaluated: 2024-04-04. Review status: criteria provided, single submitter. Criteria: ACMG Guidelines, 2015. Collection method: clinical testing. Allele origin: unknown. Inheritance: Autosomal dominant inheritance. Affected: yes.
Comment: Criteria applied: PVS1_STR,PS4_MOD,PM2_SUP

Dr. Peter K. Rogan Lab, Western University
No classification provided (evidence only). Condition: Melanoma. Review status: no classification provided. Collection method: in vitro. Allele origin: not applicable. Functional consequence: skipped exon. Not counted in ClinVar's aggregate classification.

Dr. Peter K. Rogan Lab, Western University
No classification provided (evidence only). Condition: Squamous cell lung carcinoma. Review status: no classification provided. Collection method: in vitro. Allele origin: not applicable. Functional consequence: skipped exon, retained intron. Not counted in ClinVar's aggregate classification.

MutSpliceDB: a database of splice sites variants effects on splicing, NIH
No classification provided (evidence only). Review status: no classification provided. Collection method: in vivo. Allele origin: not applicable. Functional consequence: retained intron. Not counted in ClinVar's aggregate classification.

Literature cited by the submitters: PubMed 22841127 (cited by Ambry Genetics and Labcorp Genetics (formerly Invitae), Labcorp); PubMed 28592523 (cited by Ambry Genetics and Labcorp Genetics (formerly Invitae), Labcorp); PubMed 28830827 (cited by Ambry Genetics and Labcorp Genetics (formerly Invitae), Labcorp); PubMed 32482799 (cited by Ambry Genetics); PubMed 11433531 (cited by Labcorp Genetics (formerly Invitae), Labcorp); PubMed 11687599 (cited by Labcorp Genetics (formerly Invitae), Labcorp); PubMed 12920094 (cited by Labcorp Genetics (formerly Invitae), Labcorp).